The following is an entry in ClinVar:

ClinVar aggregate classification (germline): Likely benign. Review status: criteria provided, multiple submitters, no conflicts (2 of 4 stars). 2 submissions from 2 submitters: Likely benign (2). Last evaluated 2023-11-03.

Allele frequency attached by ClinVar (database versions not stated): TOPMed 0.00002; gnomAD 0.00003; gnomAD exomes 0.00006; ExAC 0.00011.
gnomAD v4.1: 86 of 1,606,592 alleles (0.0054%); highest among the groups gnomAD compares: South Asian, 0.057%; no homozygotes.

Submissions (2):

Blueprint Genetics
Classification: Likely benign. Last evaluated: 2023-11-03. Review status: criteria provided, single submitter. Criteria: ACMG Guidelines, 2015. Collection method: clinical testing. Allele origin: germline.

CeGaT Center for Human Genetics Tuebingen
Classification: Likely benign. Last evaluated: 2022-08-01. Review status: criteria provided, single submitter. Criteria: CeGaT Center For Human Genetics Tuebingen Variant Classification Criteria Version 2. Collection method: clinical testing. Allele origin: germline. Affected: yes. Observed: 1 variant allele.
Comment: CAPN15: BP4, BP7

NM_005632.3(CAPN15):c.1083G>A (p.Ser361=)

Gene: CAPN15 (calpain 15; plus strand). Cytogenetic location: 16p13.3.
Variant type: single nucleotide variant.
Coding change: c.1083G>A on transcript NM_005632.3 (MANE Select); coding-DNA position 1083, G replaced by A.
Protein change: p.Ser361=; no amino-acid change (serine 361 retained).
Molecular consequence: synonymous variant.
Genome position (GRCh38, 1-based): chr16:547,921, G>A. VCF-style: chr16-547921-G-A. GRCh37 (hg19) VCF-style: chr16-597921-G-A.
Identifiers: ClinVar variation 2645799 (VCV002645799.25), dbSNP rs763878383, ClinGen allele CA7778254.